The following is an entry in ClinVar:

NM_014679.5(CEP57):c.148C>G (p.Leu50Val)

Gene: CEP57 (centrosomal protein 57; plus strand). Cytogenetic location: 11q21.
Variant type: single nucleotide variant.
Coding change: c.148C>G on transcript NM_014679.5 (MANE Select); coding-DNA position 148, C replaced by G.
Protein change: p.Leu50Val; replaces leucine 50 with valine.
Molecular consequence: missense variant.
Genome position (GRCh38, 1-based): chr11:95,799,334, C>G. VCF-style: chr11-95799334-C-G. GRCh37 (hg19) VCF-style: chr11-95532498-C-G.
Other names: c.148C>G, p.Leu50Val (NM_001243777.2); c.67C>G, p.Leu23Val (NM_001363604.2); c.121C>G, p.Leu41Val (NM_001243776.2); short protein forms L41V, L50V, L23V.
Identifiers: ClinVar variation 4001014 (VCV004001014.1).

ClinVar aggregate classification (germline): Uncertain significance (1 of 4 stars; one submission).

Conditions:
Inborn genetic diseases. Identifiers: MedGen C0950123, MeSH D030342.

Submission:

Ambry Genetics
Classification: Uncertain significance for Inborn genetic diseases. Last evaluated: 2025-04-13. Review status: criteria provided, single submitter. Criteria: Ambry Variant Classification Scheme 2023. Collection method: clinical testing. Allele origin: germline.
Comment: The p.L50V variant (also known as c.148C>G), located in coding exon 2 of the CEP57 gene, results from a C to G substitution at nucleotide position 148. The leucine at codon 50 is replaced by valine, an amino acid with highly similar properties. This amino acid position is conserved. In addition, this alteration is predicted to be tolerated by in silico analysis. Based on the available evidence, the clinical significance of this variant remains unclear.